The following is an entry in ClinVar:

ClinVar aggregate classification (germline): Pathogenic/Likely pathogenic. Review status: criteria provided, multiple submitters, no conflicts (2 of 4 stars). 7 submissions from 7 submitters: Pathogenic (3); Likely pathogenic (4). Last evaluated 2025-12-01.

Conditions:
Meckel-Gruber syndrome. Also called: Dysencephalia splachnocystica; DYSENCEPHALIA SPLANCHNOCYSTICA; GRUBER SYNDROME. Identifiers: Orphanet 564, MedGen C0265215, MONDO:0018921.
Joubert syndrome. Also called: JOUBERT-BOLTSHAUSER SYNDROME; Familial aplasia of the vermis. Identifiers: Orphanet 475, MedGen C5979921, MONDO:0018772.
Meckel syndrome, type 6. Identifiers: Orphanet 564, MedGen C2676790, MONDO:0012848, OMIM 612284.
Joubert syndrome 9 (JBTS9). Identifiers: Orphanet 2318, MedGen C2676788, MONDO:0012849, OMIM 612285.
COACH syndrome 2. Identifiers: MedGen C5436837, MONDO:0030859, OMIM 619111.
Retinitis pigmentosa 93. Identifiers: MedGen C5676970, MONDO:0030797, OMIM 619845.
Joubert syndrome and related disorders. Identifiers: Orphanet 140874, MedGen C5679612, MONDO:0015369.
Neurodevelopmental disorder. Identifiers: MedGen C1535926, MeSH D065886, MONDO:0700092.
CC2D2A-related disorder. Also called: CC2D2A-related condition; CC2D2A-related disorders. Identifiers: MedGen CN239313.

Allele frequency attached by ClinVar (database versions not stated): TOPMed below 0.00001; gnomAD exomes 0.00001 and 0.00002; ExAC 0.00002.
gnomAD v4.1: 17 of 1,604,912 alleles (0.0011%); highest among the groups gnomAD compares: South Asian, 0.0023%; no homozygotes.

Submissions (7):

Labcorp Genetics (formerly Invitae), Labcorp
Classification: Pathogenic for Joubert syndrome; Meckel-Gruber syndrome. Last evaluated: 2025-12-01. Review status: criteria provided, single submitter. Criteria: Invitae Variant Classification Sherloc (09022015). Collection method: clinical testing. Allele origin: germline.
Comment: This sequence change creates a premature translational stop signal (p.Arg1109*) in the CC2D2A gene. It is expected to result in an absent or disrupted protein product. Loss-of-function variants in CC2D2A are known to be pathogenic (PMID: 19777577). This variant is present in population databases (rs760676442, gnomAD 0.005%). This variant has not been reported in the literature in individuals affected with CC2D2A-related conditions. ClinVar contains an entry for this variant (Variation ID: 839976). Algorithms developed to predict the effect of sequence changes on RNA splicing suggest that this variant may disrupt the consensus splice site. For these reasons, this variant has been classified as Pathogenic.

Myriad Genetics, Inc.
Classification: Pathogenic for Joubert syndrome and related disorders. Last evaluated: 2024-05-22. Review status: criteria provided, single submitter. Criteria: Myriad Autosomal Dominant, Autosomal Recessive and X-Linked Classification Criteria (2023). Collection method: clinical testing. Allele origin: unknown.
Comment: NM_001080522.2(CC2D2A):c.3325C>T(R1109*) is expected to be pathogenic in the context of CC2D2A-related disorders. This variant is predicted to lead to an abnormal or absent protein product due to the creation of a premature termination codon in CC2D2A, a gene where loss-of-function variants are known to be pathogenic. Please note: this variant was assessed in the context of healthy population screening.

GeneDx
Classification: Likely pathogenic. Last evaluated: 2022-04-01. Review status: criteria provided, single submitter. Criteria: GeneDx Variant Classification Process June 2021. Collection method: clinical testing. Allele origin: germline. Affected: yes.
Comment: Nonsense variant predicted to result in protein truncation or nonsense mediated decay in a gene for which loss of function is a known mechanism of disease; Not observed at significant frequency in large population cohorts (gnomAD); Has not been previously published as pathogenic or benign to our knowledge

Laboratory of Molecular Genetics (Pr. Bezieau's lab), CHU de Nantes
Classification: Pathogenic for Neurodevelopmental disorder. Last evaluated: 2022-02-08. Review status: criteria provided, single submitter. Criteria: ACMG Guidelines, 2015. Collection method: clinical testing. Allele origin: germline. Affected: yes.

Blueprint Genetics
Classification: Likely pathogenic for CC2D2A-related disorders. Last evaluated: 2022-01-27. Review status: criteria provided, single submitter. Criteria: ACMG Guidelines, 2015. Collection method: clinical testing. Allele origin: germline. Affected: yes. Observed: 5 variant alleles.

Fulgent Genetics
Classification: Likely pathogenic for Meckel syndrome, type 6; Joubert syndrome 9; COACH syndrome 2; Retinitis pigmentosa 93. Last evaluated: 2022-01-14. Review status: criteria provided, single submitter. Criteria: ACMG Guidelines, 2015. Collection method: clinical testing. Allele origin: unknown.

Greenwood Genetic Center Diagnostic Laboratories, Greenwood Genetic Center
Classification: Likely pathogenic. Last evaluated: 2020-10-19. Review status: criteria provided, single submitter. Criteria: ACMG Guidelines, 2015. Collection method: clinical testing. Allele origin: germline. Affected: yes.

Literature cited by the submitters: PubMed 19777577 (cited by Labcorp Genetics (formerly Invitae), Labcorp).

NM_001378615.1(CC2D2A):c.3325C>T (p.Arg1109Ter)

Genes: CC2D2A (coiled-coil and C2 domain containing 2A; plus strand), FBXL5 (F-box and leucine rich repeat protein 5; minus strand). Cytogenetic location: 4p15.32.
Variant type: single nucleotide variant.
Coding change: c.3325C>T on transcript NM_001378615.1 (MANE Select); coding-DNA position 3325, C replaced by T.
Protein change: p.Arg1109Ter; replaces arginine 1109 with a stop codon.
Molecular consequence: nonsense.
Genome position (GRCh38, 1-based): chr4:15,567,713, C>T. VCF-style: chr4-15567713-C-T. GRCh37 (hg19) VCF-style: chr4-15569336-C-T.
Other names: c.3325C>T, p.Arg1109Ter (NM_001080522.2); c.3178C>T, p.Arg1060Ter (NM_001378617.1); short protein forms R1109*, R1060*.
Identifiers: ClinVar variation 839976 (VCV000839976.16), dbSNP rs760676442, ClinGen allele CA2864141.